The following is an entry in ClinVar:

NM_001378454.1(ALMS1):c.10213+3A>G

Gene: ALMS1 (ALMS1 centrosome and basal body associated protein; plus strand). Cytogenetic location: 2p13.1.
Variant type: single nucleotide variant.
Coding change: c.10213+3A>G on transcript NM_001378454.1 (MANE Select); 3 bases into the intron after coding-DNA position 10213, A replaced by G.
Molecular consequence: intron variant.
Genome position (GRCh38, 1-based): chr2:73,557,357, A>G. VCF-style: chr2-73557357-A-G. GRCh37 (hg19) VCF-style: chr2-73784484-A-G.
Other names: c.10216+3A>G (NM_015120.4); c.10213+3A>G (NM_015120.4).
Identifiers: ClinVar variation 556148 (VCV000556148.3), dbSNP rs1553416881, ClinGen allele CA658821457.

ClinVar aggregate classification (germline): Uncertain significance. Review status: criteria provided, single submitter (1 of 4 stars). 2 submissions from 2 submitters: Uncertain significance (1). 1 of the submissions does not count toward it. Last evaluated 2024-04-25.

Conditions:
Cardiovascular phenotype. Identifiers: MedGen CN230736.
Alstrom syndrome (ALMS). Identifiers: Orphanet 64, MedGen C0268425, MONDO:0008763, OMIM 203800.

Allele frequency attached by ClinVar (database versions not stated): gnomAD exomes below 0.00001.
gnomAD v4.1: 2 of 1,614,124 alleles (0.00012%); highest among the groups gnomAD compares: South Asian, 0.0011%; no homozygotes.

Submissions (2):

Ambry Genetics
Classification: Uncertain significance for Cardiovascular phenotype. Last evaluated: 2024-04-25. Review status: criteria provided, single submitter. Criteria: Ambry Variant Classification Scheme 2023. Collection method: clinical testing. Allele origin: germline.
Comment: The c.10216+3A>G intronic variant results from an A to G substitution 3 nucleotides after coding exon 14 in the ALMS1 gene. This nucleotide position is highly conserved in available vertebrate species. In silico splice site analysis predicts that this alteration will not have any significant effect on splicing. Based on the available evidence, the clinical significance of this variant remains unclear.

Counsyl
Classification: Uncertain significance for Alstrom syndrome. Last evaluated: 2018-01-15. Review status: no assertion criteria provided. Collection method: clinical testing. Allele origin: unknown. Not counted in ClinVar's aggregate classification.